The following is an entry in ClinVar:

NM_016169.4(SUFU):c.773G>T (p.Gly258Val)

Gene: SUFU (SUFU negative regulator of hedgehog signaling; plus strand). Cytogenetic location: 10q24.32.
Variant type: single nucleotide variant.
Coding change: c.773G>T on transcript NM_016169.4 (MANE Select); coding-DNA position 773, G replaced by T.
Protein change: p.Gly258Val; replaces glycine 258 with valine.
Molecular consequence: missense variant.
Genome position (GRCh38, 1-based): chr10:102,597,156, G>T. VCF-style: chr10-102597156-G-T. GRCh37 (hg19) VCF-style: chr10-104356913-G-T.
Other names: c.773G>T, p.Gly258Val (NM_001178133.2); short protein forms G258V.
Identifiers: ClinVar variation 3802879 (VCV003802879.1).

ClinVar aggregate classification (germline): Uncertain significance (1 of 4 stars; one submission).

Conditions:
Hereditary cancer-predisposing syndrome. Also called: Neoplastic Syndromes, Hereditary; Hereditary Cancer Syndrome; Tumor predisposition; Hereditary neoplastic syndrome. Identifiers: Orphanet 140162, MedGen C0027672, MeSH D009386, MONDO:0015356.

gnomAD v4.1: 1 of 1,613,984 alleles (0.000062%); highest among the groups gnomAD compares: South Asian, 0.0011%; no homozygotes.

Submission:

Ambry Genetics
Classification: Uncertain significance for Hereditary cancer-predisposing syndrome. Last evaluated: 2025-01-11. Review status: criteria provided, single submitter. Criteria: Ambry Variant Classification Scheme 2023. Collection method: clinical testing. Allele origin: germline.
Comment: The p.G258V variant (also known as c.773G>T), located in coding exon 7 of the SUFU gene, results from a G to T substitution at nucleotide position 773. The glycine at codon 258 is replaced by valine, an amino acid with dissimilar properties. This amino acid position is conserved. In addition, this alteration is predicted to be deleterious by in silico analysis. Based on the available evidence, the clinical significance of this variant remains unclear.